The following is an entry in ClinVar:

ClinVar aggregate classification (germline): Uncertain significance (1 of 4 stars; one submission).

Conditions:
Saldino-Mainzer syndrome (SRTD9). Also called: CONORENAL SYNDROME; Renal dysplasia, retinal pigmentary dystrophy, cerebellar ataxia and skeletal dysplasia; short-rib thoracic dysplasia 9 with or without polydactyly; SHORT-RIB THORACIC DYSPLASIA 9 WITHOUT POLYDACTYLY. Identifiers: Orphanet 140969, MedGen C1849437, MONDO:0009964, OMIM 266920.

Allele frequency attached by ClinVar (database versions not stated): gnomAD exomes below 0.00001; ExAC 0.00001.
gnomAD v4.1: 2 of 1,597,564 alleles (0.00013%); highest among the groups gnomAD compares: Non-Finnish European, 0.00017%; no homozygotes.

Submission:

Labcorp Genetics (formerly Invitae), Labcorp
Classification: Uncertain significance for Saldino-Mainzer syndrome. Last evaluated: 2022-10-04. Review status: criteria provided, single submitter. Criteria: Invitae Variant Classification Sherloc (09022015). Collection method: clinical testing. Allele origin: germline.
Comment: Variants that disrupt the consensus splice site are a relatively common cause of aberrant splicing (PMID: 17576681, 9536098). Algorithms developed to predict the effect of sequence changes on RNA splicing suggest that this variant may disrupt the consensus splice site. In summary, the available evidence is currently insufficient to determine the role of this variant in disease. Therefore, it has been classified as a Variant of Uncertain Significance. ClinVar contains an entry for this variant (Variation ID: 1044361). This variant has not been reported in the literature in individuals affected with IFT140-related conditions. This variant is present in population databases (rs752216380, gnomAD 0.0009%). This sequence change affects codon 733 of the IFT140 mRNA. It is a 'silent' change, meaning that it does not change the encoded amino acid sequence of the IFT140 protein. This variant also falls at the last nucleotide of exon 18, which is part of the consensus splice site for this exon.

Literature cited by the submitters: PubMed 17576681; PubMed 9536098.

NM_014714.4(IFT140):c.2199G>A (p.Lys733=)

Gene: IFT140 (intraflagellar transport 140; minus strand). Cytogenetic location: 16p13.3.
Variant type: single nucleotide variant.
Coding change: c.2199G>A on transcript NM_014714.4 (MANE Select); coding-DNA position 2199, G replaced by A.
Protein change: p.Lys733=; no amino-acid change (lysine 733 retained).
Molecular consequence: synonymous variant.
Genome position (GRCh38, 1-based): chr16:1,561,985, C>T on the plus strand (G>A on the coding strand, the complement: IFT140 is on the minus strand). VCF-style: chr16-1561985-C-T. GRCh37 (hg19) VCF-style: chr16-1611986-C-T.
Identifiers: ClinVar variation 1044361 (VCV001044361.8), dbSNP rs752216380, ClinGen allele CA7813988.